The following is an entry in ClinVar:

NM_139285.4(GAS2L2):c.2481A>G (p.Ala827=)

Gene: GAS2L2 (growth arrest specific 2 like 2; minus strand). Cytogenetic location: 17q12.
Variant type: single nucleotide variant.
Coding change: c.2481A>G on transcript NM_139285.4 (MANE Select); coding-DNA position 2481, A replaced by G.
Protein change: p.Ala827=; no amino-acid change (alanine 827 retained).
Molecular consequence: synonymous variant.
Genome position (GRCh38, 1-based): chr17:35,745,016, T>C on the plus strand (A>G on the coding strand, the complement: GAS2L2 is on the minus strand). VCF-style: chr17-35745016-T-C. GRCh37 (hg19) VCF-style: chr17-34072035-T-C.
Identifiers: ClinVar variation 3048419 (VCV003048419.2), dbSNP rs2509915096, ClinGen allele CA499905407.
Genomic context (GRCh38, chr17:35,745,016, plus strand): 5'-CTCTTTCTCCTCCTTTCCTTCCTCCTCCTCCTCACCTACTGAAGCTCCATCCACCCGGGA[T>C]GCCTCCCCTCCCTTGCTGCCCAGCACAGCTCTCAACAGCCTGTCCTTGGGGGGCTGCCTG-3'
Protein context (NP_644814.1, residues 817-837): RAVLGSKGGE[Ala827=]SRVDGASVGE

ClinVar aggregate classification (germline): Likely benign (0 of 4 stars; one submission).

Conditions:
GAS2L2-related disorder. Also called: GAS2L2-related condition.

Submission:

PreventionGenetics, part of Exact Sciences
Classification: Likely benign for GAS2L2-related condition. Last evaluated: 2023-07-18. Review status: no assertion criteria provided. Collection method: clinical testing. Allele origin: germline.
Comment: This variant is classified as likely benign based on ACMG/AMP sequence variant interpretation guidelines (Richards et al. 2015 PMID: 25741868, with internal and published modifications).